The following is an entry in ClinVar:

NM_001370259.2(MEN1):c.1049+5G>C

Gene: MEN1 (menin 1; minus strand). Cytogenetic location: 11q13.1.
Variant type: single nucleotide variant.
Coding change: c.1049+5G>C on transcript NM_001370259.2 (MANE Select); 5 bases into the intron after coding-DNA position 1049, G replaced by C.
Molecular consequence: intron variant. On other transcripts: non-coding transcript variant (4).
Genome position (GRCh38, 1-based): chr11:64,806,227, C>G on the plus strand (G>C on the coding strand, the complement: MEN1 is on the minus strand). VCF-style: chr11-64806227-C-G. GRCh37 (hg19) VCF-style: chr11-64573699-C-G.
Other names: c.1064+5G>C (NM_130804.3, NM_130803.3, NM_000244.4 and 5 more transcripts); c.944+5G>C (NM_001407148.1, NM_001407149.1, NM_001407151.1 and 2 more transcripts); c.1049+5G>C (NM_130799.3, NM_001407144.1, NM_001370260.2 and 7 more transcripts).
Identifiers: ClinVar variation 3646143 (VCV003646143.2).
Genomic context (GRCh38, chr11:64,806,227, plus strand): 5'-GGTGGTTGGAAACTGATGGAGGGGAAGAAAGGACAGGCTGCAGGCCCTAGTAGGGGGATC[C>G]TCACTCCTGGATGACAGTGGCCGTGTCCGCCCAGGCCTGCAGGGCTTCCCGCACATTGCG-3'

ClinVar aggregate classification (germline): Likely pathogenic (1 of 4 stars; one submission).

Conditions:
Multiple endocrine neoplasia, type 1 (MEN1). Also called: MEN I; WERMER SYNDROME; Endocrine adenomatosis multiple; MEN 1; MEA I. Identifiers: Orphanet 652, MedGen C0025267, MeSH D018761, MONDO:0007540, OMIM 131100.

Submission:

Labcorp Genetics (formerly Invitae), Labcorp
Classification: Likely pathogenic for Multiple endocrine neoplasia, type 1. Last evaluated: 2024-03-16. Review status: criteria provided, single submitter. Criteria: Invitae Variant Classification Sherloc (09022015). Collection method: clinical testing. Allele origin: germline.
Comment: This sequence change falls in intron 7 of the MEN1 gene. It does not directly change the encoded amino acid sequence of the MEN1 protein. RNA analysis indicates that this variant induces altered splicing and may result in an absent or disrupted protein product. This variant is not present in population databases (gnomAD no frequency). This variant has been observed in individual(s) with clinical features of MEN1-related conditions (Invitae). Variants that disrupt the consensus splice site are a relatively common cause of aberrant splicing (PMID: 17576681, 9536098). Studies have shown that this variant results in activation of a cryptic slice site and introduces a premature termination codon (Invitae). The resulting mRNA is expected to undergo nonsense-mediated decay. In summary, the currently available evidence indicates that the variant is pathogenic, but additional data are needed to prove that conclusively. Therefore, this variant has been classified as Likely Pathogenic.

Literature cited by the submitters: PubMed 17576681; PubMed 9536098.